The following is an entry in ClinVar:

NM_000059.4(BRCA2):c.793+18T>C

Gene: BRCA2 (BRCA2 DNA repair associated; plus strand). Cytogenetic location: 13q13.1.
Variant type: single nucleotide variant.
Coding change: c.793+18T>C on transcript NM_000059.4 (MANE Select); 18 bases into the intron after coding-DNA position 793, T replaced by C.
Molecular consequence: intron variant.
Genome position (GRCh38, 1-based): chr13:32,331,048, T>C. VCF-style: chr13-32331048-T-C. GRCh37 (hg19) VCF-style: chr13-32905185-T-C.
Identifiers: ClinVar variation 377577 (VCV000377577.14), dbSNP rs567889781, ClinGen allele CA6940445.

ClinVar aggregate classification (germline): Likely benign. Review status: criteria provided, multiple submitters, no conflicts (2 of 4 stars). 4 submissions from 4 submitters: Likely benign (4). Last evaluated 2026-01-14.

Conditions:
Hereditary cancer-predisposing syndrome. Also called: Hereditary neoplastic syndrome; Hereditary Cancer Syndrome; Neoplastic Syndromes, Hereditary; Tumor predisposition. Identifiers: Orphanet 140162, MedGen C0027672, MeSH D009386, MONDO:0015356.
Hereditary breast ovarian cancer syndrome. Also called: Hereditary breast and ovarian cancer syndrome (HBOC); Hereditary breast and ovarian cancer syndrome; Hereditary breast and ovarian cancer; BRCA1- and BRCA2-Associated Hereditary Breast and Ovarian Cancer; Breast and ovarian cancer; Hereditary breast and/or ovarian cancer syndrome. Identifiers: Orphanet 145, MedGen C0677776, MeSH D061325, MONDO:0003582. Disease mechanism: loss of function.

Allele frequency attached by ClinVar (database versions not stated): gnomAD exomes below 0.00001 and 0.00002; gnomAD 0.00001 and 0.00003; ExAC 0.00003; TOPMed 0.00004; 1000 Genomes Project 0.00020; 1000 Genomes Project 30x 0.00047.
gnomAD v4.1: 13 of 1,545,788 alleles (0.00084%); highest among the groups gnomAD compares: Middle Eastern, 0.017%; no homozygotes.

Submissions (4):

Labcorp Genetics (formerly Invitae), Labcorp
Classification: Likely benign for Hereditary breast ovarian cancer syndrome. Last evaluated: 2026-01-14. Review status: criteria provided, single submitter. Criteria: Invitae Variant Classification Sherloc (09022015). Collection method: clinical testing. Allele origin: germline.

Women's Health and Genetics/Laboratory Corporation of America, LabCorp
Classification: Likely benign. Last evaluated: 2022-06-03. Review status: criteria provided, single submitter. Criteria: LabCorp Variant Classification Summary - May 2015. Collection method: clinical testing. Allele origin: germline.
Comment: Variant summary: BRCA2 c.793+18T>C alters a non-conserved nucleotide located close to a canonical splice site and therefore could affect mRNA splicing, leading to a significantly altered protein sequence. 4/4 computational tools predict no significant impact on normal splicing. However, these predictions have yet to be confirmed by functional studies. The variant allele was found at a frequency of 2.5e-05 in 242020 control chromosomes. The available data on variant occurrences in the general population are insufficient to allow any conclusion about variant significance. To our knowledge, no occurrence of c.793+18T>C in individuals affected with Hereditary Breast And Ovarian Cancer Syndrome and no experimental evidence demonstrating its impact on protein function have been reported. Three clinical diagnostic laboratories have submitted clinical-significance assessments for this variant to ClinVar after 2014 without evidence for independent evaluation. All laboratories classified the variant as likely benign. Based on the evidence outlined above, the variant was classified as likely benign.

Color Diagnostics, LLC DBA Color Health
Classification: Likely benign for Hereditary cancer-predisposing syndrome. Last evaluated: 2019-03-29. Review status: criteria provided, single submitter. Criteria: ACMG Guidelines, 2015. Collection method: clinical testing. Allele origin: germline.

GeneDx
Classification: Likely benign. Last evaluated: 2017-09-12. Review status: criteria provided, single submitter. Criteria: GeneDx Variant Classification (06012015). Collection method: clinical testing. Allele origin: germline. Affected: yes.
Comment: This variant is considered likely benign or benign based on one or more of the following criteria: it is a conservative change, it occurs at a poorly conserved position in the protein, it is predicted to be benign by multiple in silico algorithms, and/or has population frequency not consistent with disease.